The following is an entry in ClinVar:

ClinVar aggregate classification (germline): Uncertain significance (1 of 4 stars; one submission).

Conditions:
Cardiovascular phenotype. Identifiers: MedGen CN230736.

Submissions (2):

Ambry Genetics
Classification: Uncertain significance for Cardiovascular phenotype. Last evaluated: 2025-10-08. Review status: criteria provided, single submitter. Criteria: Ambry Variant Classification Scheme 2023. Collection method: clinical testing. Allele origin: germline.
Comment: The c.1121C>T (p.A374V) alteration is located in exon 12 (coding exon 10) of the MYH6 gene. This alteration results from a C to T substitution at nucleotide position 1121, causing the alanine (A) at amino acid position 374 to be replaced by a valine (V). Based on data from gnomAD, the T allele has an overall frequency of <0.001% (1/251242) total alleles studied. The highest observed frequency was 0.001% (1/113612) of European (non-Finnish) alleles. This amino acid position is highly conserved in available vertebrate species. The in silico prediction for this alteration is inconclusive. Based on insufficient or conflicting evidence, the clinical significance of this alteration remains unclear.

Dr. Peter K. Rogan Lab, Western University
No classification provided (evidence only). Condition: Malignant tumor of urinary bladder. Review status: no classification provided. Collection method: in vitro. Allele origin: not applicable. Functional consequence: retained intron. Not counted in ClinVar's aggregate classification.

NM_002471.4(MYH6):c.1121C>T (p.Ala374Val)

Gene: MYH6 (myosin heavy chain 6; minus strand). Cytogenetic location: 14q11.2.
Variant type: single nucleotide variant.
Coding change: c.1121C>T on transcript NM_002471.4 (MANE Select); coding-DNA position 1121, C replaced by T.
Protein change: p.Ala374Val; replaces alanine 374 with valine.
Molecular consequence: missense variant.
Genome position (GRCh38, 1-based): chr14:23,402,484, G>A on the plus strand (C>T on the coding strand, the complement: MYH6 is on the minus strand). VCF-style: chr14-23402484-G-A. GRCh37 (hg19) VCF-style: chr14-23871693-G-A.
Other names: NC_000014.8:g.23871693G>A; short protein forms A374V.
Identifiers: ClinVar variation 4395684 (VCV004395684.2).